The following is an entry in ClinVar:

NM_005909.5(MAP1B):c.193T>A (p.Ser65Thr)

Gene: MAP1B (microtubule associated protein 1B; plus strand). Cytogenetic location: 5q13.2.
Variant type: single nucleotide variant.
Coding change: c.193T>A on transcript NM_005909.5 (MANE Select); coding-DNA position 193, T replaced by A.
Protein change: p.Ser65Thr; replaces serine 65 with threonine.
Molecular consequence: missense variant.
Genome position (GRCh38, 1-based): chr5:72,115,706, T>A. VCF-style: chr5-72115706-T-A. GRCh37 (hg19) VCF-style: chr5-71411533-T-A.
Other names: short protein forms S65T.
Identifiers: ClinVar variation 2577696 (VCV002577696.1), dbSNP rs2478744381, ClinGen allele CA359988817.

ClinVar aggregate classification (germline): Uncertain significance (1 of 4 stars; one submission).

Allele frequency attached by ClinVar (database versions not stated): gnomAD exomes below 0.00001.

Submission:

GeneDx
Classification: Uncertain significance. Last evaluated: 2023-02-26. Review status: criteria provided, single submitter. Criteria: GeneDx Variant Classification Process June 2021. Collection method: clinical testing. Allele origin: germline. Affected: yes.
Comment: Not observed at significant frequency in large population cohorts (gnomAD); In silico analysis supports that this missense variant has a deleterious effect on protein structure/function; Has not been previously published as pathogenic or benign to our knowledge